The following is an entry in ClinVar:

NM_014806.5(RUSC2):c.560C>A (p.Thr187Asn)

Gene: RUSC2 (RUN and SH3 domain containing 2; plus strand). Cytogenetic location: 9p13.3.
Variant type: single nucleotide variant.
Coding change: c.560C>A on transcript NM_014806.5 (MANE Select); coding-DNA position 560, C replaced by A.
Protein change: p.Thr187Asn; replaces threonine 187 with asparagine.
Molecular consequence: missense variant. On other transcripts: non-coding transcript variant (1), intron variant (1).
Genome position (GRCh38, 1-based): chr9:35,547,081, C>A. VCF-style: chr9-35547081-C-A. GRCh37 (hg19) VCF-style: chr9-35547078-C-A.
Other names: c.560C>A, p.Thr187Asn (NM_001135999.2); c.-620-7979C>A (NM_001330740.2); short protein forms T187N.
Identifiers: ClinVar variation 1427657 (VCV001427657.8), dbSNP rs1274577691, ClinGen allele CA373327683.
Genomic context (GRCh38, chr9:35,547,081, plus strand): 5'-GAGTGGTGGAAGGGCAGGAACAGGAGCCAGTGATGACCTTGGATACTCAGCAGTGCGGCA[C>A]CAGCCACTGCTGCCGGCCAGAGCTGGAAGCAGAGACTATGGAGCTGGATGAGTGTGGGGG-3'
Protein context (NP_055621.2, residues 177-197): VMTLDTQQCG[Thr187Asn]SHCCRPELEA

ClinVar aggregate classification (germline): Uncertain significance (1 of 4 stars; one submission).

gnomAD v4.1: 1 of 1,613,814 alleles (0.000062%); highest among the groups gnomAD compares: Non-Finnish European, 0.000085%; no homozygotes.

Submission:

Labcorp Genetics (formerly Invitae), Labcorp
Classification: Uncertain significance. Last evaluated: 2022-07-19. Review status: criteria provided, single submitter. Criteria: Invitae Variant Classification Sherloc (09022015). Collection method: clinical testing. Allele origin: germline.
Comment: In summary, the available evidence is currently insufficient to determine the role of this variant in disease. Therefore, it has been classified as a Variant of Uncertain Significance. Algorithms developed to predict the effect of missense changes on protein structure and function output the following: SIFT: "Tolerated"; PolyPhen-2: "Benign"; Align-GVGD: "Class C0". The asparagine amino acid residue is found in multiple mammalian species, which suggests that this missense change does not adversely affect protein function. ClinVar contains an entry for this variant (Variation ID: 1427657). This variant has not been reported in the literature in individuals affected with RUSC2-related conditions. This variant is not present in population databases (gnomAD no frequency). This sequence change replaces threonine, which is neutral and polar, with asparagine, which is neutral and polar, at codon 187 of the RUSC2 protein (p.Thr187Asn).